The following is an entry in ClinVar:

NM_021072.4(HCN1):c.1382T>A (p.Ile461Lys)

Gene: HCN1 (hyperpolarization activated cyclic nucleotide gated potassium channel 1; minus strand). Cytogenetic location: 5p12.
Variant type: single nucleotide variant.
Coding change: c.1382T>A on transcript NM_021072.4 (MANE Select); coding-DNA position 1382, T replaced by A.
Protein change: p.Ile461Lys; replaces isoleucine 461 with lysine.
Molecular consequence: missense variant.
Genome position (GRCh38, 1-based): chr5:45,303,835, A>T on the plus strand (T>A on the coding strand, the complement: HCN1 is on the minus strand). VCF-style: chr5-45303835-A-T. GRCh37 (hg19) VCF-style: chr5-45303937-A-T.
Other names: c.1382T>A (NM_021072.3); short protein forms I461K.
Identifiers: ClinVar variation 4769059 (VCV004769059.2).

ClinVar aggregate classification (germline): Uncertain significance. Review status: criteria provided, multiple submitters, no conflicts (2 of 4 stars). 2 submissions from 2 submitters: Uncertain significance (2). Last evaluated 2026-03-18.

Conditions:
Early-infantile DEE. Also called: Early infantile epileptic encephalopathy with suppression bursts; Early infantile epileptic encephalopathy; Ohtahara syndrome. Identifiers: Orphanet 1934, MedGen C0393706, MONDO:0800491.

Submissions (2):

GeneDx
Classification: Uncertain significance. Last evaluated: 2026-03-18. Review status: criteria provided, single submitter. Criteria: GeneDx Variant Classification Process June 2021. Collection method: clinical testing. Allele origin: germline.
Comment: Not observed at significant frequency in large population cohorts (gnomAD); In silico analysis supports that this missense variant has a deleterious effect on protein structure/function; Has not been previously published as pathogenic or benign to our knowledge

Labcorp Genetics (formerly Invitae), Labcorp
Classification: Uncertain significance for Early-infantile DEE. Last evaluated: 2025-03-11. Review status: criteria provided, single submitter. Criteria: Invitae Variant Classification Sherloc (09022015). Collection method: clinical testing. Allele origin: germline.
Comment: This sequence change replaces isoleucine, which is neutral and non-polar, with lysine, which is basic and polar, at codon 461 of the HCN1 protein (p.Ile461Lys). This variant is not present in population databases (gnomAD no frequency). This variant has not been reported in the literature in individuals affected with HCN1-related conditions. Invitae Evidence Modeling of protein sequence and biophysical properties (such as structural, functional, and spatial information, amino acid conservation, physicochemical variation, residue mobility, and thermodynamic stability) has been performed for this missense variant. However, the output from this modeling did not meet the statistical confidence thresholds required to predict the impact of this variant on HCN1 protein function. In summary, the available evidence is currently insufficient to determine the role of this variant in disease. Therefore, it has been classified as a Variant of Uncertain Significance.